The following is an entry in ClinVar:

ClinVar aggregate classification (germline): Uncertain significance. Review status: criteria provided, multiple submitters, no conflicts (2 of 4 stars). 8 submissions from 8 submitters: Uncertain significance (6). 2 of the submissions do not count toward it. Last evaluated 2026-02-26.

Conditions:
PCDH15-related disorder. Also called: PCDH15-related disorders; PCDH15-related condition.
Usher syndrome type 1F (USH1F). Also called: USHER SYNDROME, TYPE IF. Identifiers: Orphanet 231169, Orphanet 886, MedGen C1865885, MONDO:0011186, OMIM 602083.

Allele frequency attached by ClinVar (database versions not stated): ExAC 0.00003; gnomAD exomes 0.00003; gnomAD 0.00007 and 0.00008; ESP Exome Variant Server 0.00008; TOPMed 0.00008.
gnomAD v4.1: 62 of 1,613,978 alleles (0.0038%); highest among the groups gnomAD compares: African/African-American, 0.012%; no homozygotes.

Submissions (8):

PreventionGenetics, part of Exact Sciences
Classification: Uncertain significance for PCDH15-related condition. Last evaluated: 2026-02-26. Review status: criteria provided, single submitter. Criteria: ACMG Guidelines, 2015. Collection method: clinical testing. Allele origin: germline.
Comment: The PCDH15 c.4214G>A variant is predicted to result in the amino acid substitution p.Arg1405His. This variant has been reported along with a second PCDH15 variant in an individual with hearing loss (Table S3, reported as p.Arg1420His, Sloan-Heggen et al. 2016. PubMed ID: 26969326). This variant is present in 0.0080% of alleles in individuals of African descent in gnomAD. At this time, the clinical significance of this variant is uncertain due to the absence of conclusive functional and genetic evidence.

Labcorp Genetics (formerly Invitae), Labcorp
Classification: Uncertain significance. Last evaluated: 2024-10-25. Review status: criteria provided, single submitter. Criteria: Invitae Variant Classification Sherloc (09022015). Collection method: clinical testing. Allele origin: germline.
Comment: This sequence change replaces arginine, which is basic and polar, with histidine, which is basic and polar, at codon 1405 of the PCDH15 protein (p.Arg1405His). This variant is present in population databases (rs143538460, gnomAD 0.008%). This missense change has been observed in individual(s) with non-syndromic deafness (PMID: 26969326). This variant is also known as NM_001142763:c.4229G>A (p.Arg1410His). ClinVar contains an entry for this variant (Variation ID: 550153). Invitae Evidence Modeling of protein sequence and biophysical properties (such as structural, functional, and spatial information, amino acid conservation, physicochemical variation, residue mobility, and thermodynamic stability) has been performed for this missense variant. However, the output from this modeling did not meet the statistical confidence thresholds required to predict the impact of this variant on PCDH15 protein function. In summary, the available evidence is currently insufficient to determine the role of this variant in disease. Therefore, it has been classified as a Variant of Uncertain Significance.

Women's Health and Genetics/Laboratory Corporation of America, LabCorp
Classification: Uncertain significance. Last evaluated: 2024-03-07. Review status: criteria provided, single submitter. Criteria: LabCorp Variant Classification Summary - May 2015. Collection method: clinical testing. Allele origin: germline.
Comment: Variant summary: PCDH15 c.4214G>A (p.Arg1405His) results in a non-conservative amino acid change in the encoded protein sequence. Four of five in-silico tools predict a damaging effect of the variant on protein function. The variant allele was found at a frequency of 2.8e-05 in 249056 control chromosomes. The available data on variant occurrences in the general population are insufficient to allow any conclusion about variant significance. c.4214G>A has been reported in the literature as NM_001142763.2:c.4229G>A (p.Arg1410His), in a non-informative genotype in at-least one individual with a clinical diagnosis of autosomal recessive non-syndromic hearing loss (second allele classification and/or phase not clearly specified) (example, Sloan-Heggen_2016). These report(s) do not provide unequivocal conclusions about association of the variant with Usher Syndrome Type 1F. To our knowledge, no experimental evidence demonstrating an impact on protein function has been reported. The following publication have been ascertained in the context of this evaluation (PMID: 26969326). ClinVar contains an entry for this variant (Variation ID: 550153). Based on the evidence outlined above, the variant was classified as uncertain significance.

GeneDx
Classification: Uncertain significance. Last evaluated: 2023-04-25. Review status: criteria provided, single submitter. Criteria: GeneDx Variant Classification Process June 2021. Collection method: clinical testing. Allele origin: germline. Affected: yes.
Comment: Observed with the PCDH15 N221S variant in a patient with hearing loss in published literature; it is not known whether the variants occurred on the same (in cis) or on different (in trans) chromosomes (Sloan-Heggen et al., 2016; described as R1410H using alternate nomenclature); In silico analysis supports that this missense variant does not alter protein structure/function; This variant is associated with the following publications: (PMID: 26969326)

Broad Center for Mendelian Genomics, Broad Institute of MIT and Harvard
Classification: Uncertain significance for Usher syndrome type 1F. Last evaluated: 2023-01-24. Review status: criteria provided, single submitter. Criteria: ACMG Guidelines, 2015. Collection method: curation. Allele origin: germline. Inheritance: Autosomal recessive inheritance.
Comment: The p.Arg1405His variant in PCDH15 has been reported in 1 individual, in the compound heterozygous state, with Usher syndrome type 1F (PMID: 26969326) and has been identified in 0.008% (2/24962) of African/African American chromosomes by the Genome Aggregation Database (gnomAD; dbSNP ID: rs143538460). This variant has also been reported in ClinVar (Variation ID#: 550153) and has been interpreted as a variant of uncertain significance by Counsyl, Invitae, and Natera, Inc.. Although this variant has been seen in the general population in a heterozygous state, its frequency is low enough to be consistent with a recessive carrier frequency. Computational prediction tools and conservation analyses do not provide strong support for or against an impact to the protein. In summary, the clinical significance of the p.Arg1405His variant is uncertain. ACMG/AMP Criteria applied: PM2_supporting (Richards 2015).

Blueprint Genetics
Classification: Uncertain significance. Last evaluated: 2022-01-11. Review status: criteria provided, single submitter. Criteria: ACMG Guidelines, 2015. Collection method: clinical testing. Allele origin: germline.

Natera, Inc.
Classification: Uncertain significance for Usher syndrome type 1F. Last evaluated: 2020-02-14. Review status: no assertion criteria provided. Collection method: clinical testing. Allele origin: germline. Not counted in ClinVar's aggregate classification.

Counsyl
Classification: Uncertain significance for Usher syndrome type 1F. Last evaluated: 2017-01-06. Review status: no assertion criteria provided. Collection method: clinical testing. Allele origin: unknown. Not counted in ClinVar's aggregate classification.

Literature cited by the submitters: PubMed 26969326 (cited by 3 submitters).

NM_001384140.1(PCDH15):c.4214G>A (p.Arg1405His)

Gene: PCDH15 (protocadherin related 15; minus strand). Cytogenetic location: 10q21.1.
Variant type: single nucleotide variant.
Coding change: c.4214G>A on transcript NM_001384140.1 (MANE Select); coding-DNA position 4214, G replaced by A.
Protein change: p.Arg1405His; replaces arginine 1405 with histidine.
Molecular consequence: missense variant.
Genome position (GRCh38, 1-based): chr10:53,827,546, C>T on the plus strand (G>A on the coding strand, the complement: PCDH15 is on the minus strand). VCF-style: chr10-53827546-C-T. GRCh37 (hg19) VCF-style: chr10-55587306-C-T.
Other names: NM_001384140.1(PCDH15):c.4214G>A; p.Arg1405His; c.4001G>A, p.Arg1334His (NM_001142765.2); c.4205G>A, p.Arg1402His (NM_001142766.2); c.4094G>A, p.Arg1365His (NM_001142767.2); c.4148G>A, p.Arg1383His (NM_001142768.2, NM_001354404.2); c.4250G>A, p.Arg1417His (NM_001142769.4); c.4214G>A, p.Arg1405His (NM_001142770.3, NM_001142772.2, NM_001354420.2 and 3 more transcripts); and 3 more; short protein forms R1405H, R1334H, R1365H, R1380H, R1402H, R1410H, R1412H, R1417H.
Identifiers: ClinVar variation 550153 (VCV000550153.18), dbSNP rs143538460, ClinGen allele CA5505398.